The following is an entry in ClinVar:

NM_000337.6(SGCD):c.-13G>T

Gene: SGCD (sarcoglycan delta; plus strand). Cytogenetic location: 5q33.3.
Variant type: single nucleotide variant.
Coding change: c.-13G>T on transcript NM_000337.6 (MANE Select); 13 bases upstream of the start codon, G replaced by T.
Molecular consequence: 5 prime UTR variant. On other transcripts: intron variant (1).
Genome position (GRCh38, 1-based): chr5:156,329,564, G>T. VCF-style: chr5-156329564-G-T. GRCh37 (hg19) VCF-style: chr5-155756574-G-T.
Other names: c.-13G>T (NM_172244.3); c.-1+2332G>T (NM_001128209.2).
Identifiers: ClinVar variation 513134 (VCV000513134.1), dbSNP rs1440354794, ClinGen allele CA658796668.

ClinVar aggregate classification (germline): Likely benign (1 of 4 stars; one submission).

Allele frequency attached by ClinVar (database versions not stated): TOPMed 0.00001.

Submission:

GeneDx
Classification: Likely benign. Last evaluated: 2017-11-06. Review status: criteria provided, single submitter. Criteria: GeneDx Variant Classification (06012015). Collection method: clinical testing. Allele origin: germline. Affected: yes.
Comment: This variant is considered likely benign or benign based on one or more of the following criteria: it is a conservative change, it occurs at a poorly conserved position in the protein, it is predicted to be benign by multiple in silico algorithms, and/or has population frequency not consistent with disease.